The following is an entry in ClinVar:

ClinVar aggregate classification (germline): Uncertain significance. Review status: criteria provided, multiple submitters, no conflicts (2 of 4 stars). 2 submissions from 2 submitters: Uncertain significance (2). Last evaluated 2025-06-06.

Conditions:
Inborn genetic diseases. Identifiers: MedGen C0950123, MeSH D030342.

Allele frequency attached by ClinVar (database versions not stated): gnomAD exomes below 0.00001; gnomAD 0.00002; TOPMed 0.00002; ExAC 0.00002.
gnomAD v4.1: 9 of 1,609,164 alleles (0.00056%); highest among the groups gnomAD compares: African/African-American, 0.0094%; no homozygotes.

Submissions (2):

Ambry Genetics
Classification: Uncertain significance for Inborn genetic diseases. Last evaluated: 2025-06-06. Review status: criteria provided, single submitter. Criteria: Ambry Variant Classification Scheme 2023. Collection method: clinical testing. Allele origin: germline.

Labcorp Genetics (formerly Invitae), Labcorp
Classification: Uncertain significance. Last evaluated: 2022-08-12. Review status: criteria provided, single submitter. Criteria: Invitae Variant Classification Sherloc (09022015). Collection method: clinical testing. Allele origin: germline.
Comment: This sequence change replaces leucine, which is neutral and non-polar, with valine, which is neutral and non-polar, at codon 742 of the PLOD2 protein (p.Leu742Val). This variant is present in population databases (rs772298692, gnomAD 0.02%). This variant has not been reported in the literature in individuals affected with PLOD2-related conditions. Algorithms developed to predict the effect of missense changes on protein structure and function (SIFT, PolyPhen-2, Align-GVGD) all suggest that this variant is likely to be disruptive. In summary, the available evidence is currently insufficient to determine the role of this variant in disease. Therefore, it has been classified as a Variant of Uncertain Significance.

NM_182943.3(PLOD2):c.2224C>G (p.Leu742Val)

Gene: PLOD2 (procollagen-lysine,2-oxoglutarate 5-dioxygenase 2; minus strand). Cytogenetic location: 3q24.
Variant type: single nucleotide variant.
Coding change: c.2224C>G on transcript NM_182943.3 (MANE Select); coding-DNA position 2224, C replaced by G.
Protein change: p.Leu742Val; replaces leucine 742 with valine.
Molecular consequence: missense variant.
Genome position (GRCh38, 1-based): chr3:146,070,770, G>C on the plus strand (C>G on the coding strand, the complement: PLOD2 is on the minus strand). VCF-style: chr3-146070770-G-C. GRCh37 (hg19) VCF-style: chr3-145788557-G-C.
Other names: c.2161C>G, p.Leu721Val (NM_000935.3); short protein forms L721V, L742V.
Identifiers: ClinVar variation 2074404 (VCV002074404.2), dbSNP rs772298692, ClinGen allele CA2654666.